The following is an entry in ClinVar:

ClinVar aggregate classification (germline): Uncertain significance. Review status: criteria provided, multiple submitters, no conflicts (2 of 4 stars). 2 submissions from 2 submitters: Uncertain significance (2). Last evaluated 2024-10-08.

Allele frequency attached by ClinVar (database versions not stated): gnomAD exomes 0.00001; TOPMed 0.00002; 1000 Genomes Project 0.00020; 1000 Genomes Project 30x 0.00031.
gnomAD v4.1: 32 of 1,614,132 alleles (0.002%); highest among the groups gnomAD compares: Non-Finnish European, 0.0027%; no homozygotes.

Submissions (2):

Blueprint Genetics
Classification: Uncertain significance. Last evaluated: 2024-10-08. Review status: criteria provided, single submitter. Criteria: ACMG Guidelines, 2015. Collection method: clinical testing. Allele origin: germline.

Labcorp Genetics (formerly Invitae), Labcorp
Classification: Uncertain significance. Last evaluated: 2022-03-13. Review status: criteria provided, single submitter. Criteria: Invitae Variant Classification Sherloc (09022015). Collection method: clinical testing. Allele origin: germline.
Comment: This sequence change replaces threonine, which is neutral and polar, with methionine, which is neutral and non-polar, at codon 218 of the GRM6 protein (p.Thr218Met). This variant is present in population databases (rs189676130, gnomAD 0.002%). This variant has not been reported in the literature in individuals affected with GRM6-related conditions. Advanced modeling of protein sequence and biophysical properties (such as structural, functional, and spatial information, amino acid conservation, physicochemical variation, residue mobility, and thermodynamic stability) performed at Invitae indicates that this missense variant is expected to disrupt GRM6 protein function. In summary, the available evidence is currently insufficient to determine the role of this variant in disease. Therefore, it has been classified as a Variant of Uncertain Significance.

NM_000843.4(GRM6):c.653C>T (p.Thr218Met)

Gene: GRM6 (glutamate metabotropic receptor 6; minus strand). Cytogenetic location: 5q35.3.
Variant type: single nucleotide variant.
Coding change: c.653C>T on transcript NM_000843.4 (MANE Select); coding-DNA position 653, C replaced by T.
Protein change: p.Thr218Met; replaces threonine 218 with methionine.
Molecular consequence: missense variant.
Genome position (GRCh38, 1-based): chr5:178,991,935, G>A on the plus strand (C>T on the coding strand, the complement: GRM6 is on the minus strand). VCF-style: chr5-178991935-G-A. GRCh37 (hg19) VCF-style: chr5-178418936-G-A.
Other names: short protein forms T218M.
Identifiers: ClinVar variation 1356530 (VCV001356530.6), dbSNP rs189676130, ClinGen allele CA3594467.